The following is an entry in ClinVar:

NM_005045.4(RELN):c.6789G>A (p.Glu2263=)

Gene: RELN (reelin; minus strand). Cytogenetic location: 7q22.1.
Variant type: single nucleotide variant.
Coding change: c.6789G>A on transcript NM_005045.4 (MANE Select); coding-DNA position 6789, G replaced by A.
Protein change: p.Glu2263=; no amino-acid change (glutamic acid 2263 retained).
Molecular consequence: synonymous variant.
Genome position (GRCh38, 1-based): chr7:103,540,338, C>T on the plus strand (G>A on the coding strand, the complement: RELN is on the minus strand). VCF-style: chr7-103540338-C-T. GRCh37 (hg19) VCF-style: chr7-103180785-C-T.
Other names: c.6789G>A, p.Glu2263= (NM_173054.3).
Identifiers: ClinVar variation 909168 (VCV000909168.13), dbSNP rs748936767, ClinGen allele CA4420876.
Genomic context (GRCh38, chr7:103,540,338, plus strand): 5'-TTTCAAGGGTATCTCCAGGGCAATGTACCTGCCCACATTGCTGGAATTGCTGAAAAGGAA[C>T]TCCTGAAGAAGACTCCACGAGAGGCCACCGTTGAGAGAATACTGTAGGAGCACGGGTTGA-3'
Protein context (NP_005036.2, residues 2253-2273): NGGLSWSLLQ[Glu2263=]FLFSNSSNVG

ClinVar aggregate classification (germline): Conflicting classifications of pathogenicity. Review status: criteria provided, conflicting classifications (1 of 4 stars). 3 submissions from 3 submitters: Uncertain significance (1); Likely benign (2). Last evaluated 2025-12-15.

Conditions:
Norman-Roberts syndrome (LIS2). Also called: Lissencephaly 2 (Norman-Roberts type). Identifiers: Orphanet 89844, MedGen C0796089, MONDO:0009760, OMIM 257320.
Familial temporal lobe epilepsy 7. Identifiers: Orphanet 101046, MedGen C4225327, MONDO:0014639, OMIM 616436.
RELN-related disorder. Also called: RELN-related condition.

Allele frequency attached by ClinVar (database versions not stated): ExAC 0.00002; gnomAD exomes 0.00002 and 0.00007; TOPMed 0.00002; gnomAD 0.00003.
gnomAD v4.1: 108 of 1,614,178 alleles (0.0067%); highest among the groups gnomAD compares: Middle Eastern, 0.016%; no homozygotes.

Submissions (3):

PreventionGenetics, part of Exact Sciences
Classification: Likely benign for RELN-related condition. Last evaluated: 2025-12-15. Review status: criteria provided, single submitter. Criteria: ACMG Guidelines, 2015. Collection method: clinical testing. Allele origin: germline.
Comment: This variant is classified as likely benign based on ACMG/AMP sequence variant interpretation guidelines (Richards et al. 2015 PMID: 25741868, with internal and published modifications).

Labcorp Genetics (formerly Invitae), Labcorp
Classification: Likely benign for Familial temporal lobe epilepsy 7; Norman-Roberts syndrome. Last evaluated: 2024-12-10. Review status: criteria provided, single submitter. Criteria: Invitae Variant Classification Sherloc (09022015). Collection method: clinical testing. Allele origin: germline.

Illumina Laboratory Services, Illumina
Classification: Uncertain significance for Norman-Roberts syndrome. Last evaluated: 2018-03-02. Review status: criteria provided, single submitter. Criteria: ICSL Variant Classification Criteria 13 December 2019. Collection method: clinical testing. Allele origin: germline.